The following is an entry in ClinVar:

ClinVar aggregate classification (germline): Benign/Likely benign. Review status: criteria provided, multiple submitters, no conflicts (2 of 4 stars). 7 submissions from 7 submitters: Benign (4); Likely benign (2). 1 of the submissions does not count toward it. Last evaluated 2026-01-01.

Conditions:
Rubinstein-Taybi syndrome (RSTS). Identifiers: Orphanet 783, MedGen C0035934, MONDO:0019188.
Inborn genetic diseases. Identifiers: MedGen C0950123, MeSH D030342.

Allele frequency attached by ClinVar (database versions not stated): gnomAD exomes 0.00021 and 0.00052; ExAC 0.00069; gnomAD 0.00196 and 0.00206; TOPMed 0.00219; ESP Exome Variant Server 0.00285; 1000 Genomes Project 0.00379; 1000 Genomes Project 30x 0.00437.
gnomAD v4.1: 624 of 1,614,108 alleles (0.039%); highest among the groups gnomAD compares: African/African-American, 0.74%; 2 homozygotes.

Submissions (7):

CeGaT Center for Human Genetics Tuebingen
Classification: Likely benign. Last evaluated: 2026-01-01. Review status: criteria provided, single submitter. Criteria: CeGaT Center For Human Genetics Tuebingen Variant Classification Criteria Version 2. Collection method: clinical testing. Allele origin: germline. Affected: yes. Observed: 4 variant alleles.
Comment: CREBBP: PP2, BS1

Labcorp Genetics (formerly Invitae), Labcorp
Classification: Benign for Rubinstein-Taybi syndrome. Last evaluated: 2025-12-26. Review status: criteria provided, single submitter. Criteria: Invitae Variant Classification Sherloc (09022015). Collection method: clinical testing. Allele origin: germline.

Blueprint Genetics
Classification: Likely benign. Last evaluated: 2024-08-30. Review status: criteria provided, single submitter. Criteria: ACMG Guidelines, 2015. Collection method: clinical testing. Allele origin: germline.

GeneDx
Classification: Benign. Last evaluated: 2020-02-19. Review status: criteria provided, single submitter. Criteria: GeneDx Variant Classification Process June 2021. Collection method: clinical testing. Allele origin: germline. Affected: yes.

Eurofins Ntd Llc (ga)
Classification: Benign. Last evaluated: 2016-10-19. Review status: criteria provided, single submitter. Criteria: EGL Classification Definitions 2015. Collection method: clinical testing. Allele origin: germline. Observed: 1 variant allele, 1 heterozygote.

Ambry Genetics
Classification: Benign for Inborn genetic diseases. Last evaluated: 2016-06-06. Review status: criteria provided, single submitter. Criteria: Ambry Variant Classification Scheme 2023. Collection method: clinical testing. Allele origin: germline.

ITMI
No classification provided. Condition: AllHighlyPenetrant. Last evaluated: 2013-09-19. Review status: no classification provided. Collection method: reference population. Allele origin: germline. Not counted in ClinVar's aggregate classification.
Comment: Please see associated publication for description of ethnicities

Literature cited by the submitters: PubMed 24728327 (cited by ITMI).

NM_004380.3(CREBBP):c.293G>T (p.Gly98Val)

Gene: CREBBP (CREB binding lysine acetyltransferase; minus strand). Cytogenetic location: 16p13.3.
Variant type: single nucleotide variant.
Coding change: c.293G>T on transcript NM_004380.3 (MANE Select); coding-DNA position 293, G replaced by T.
Protein change: p.Gly98Val; replaces glycine 98 with valine.
Molecular consequence: missense variant.
Genome position (GRCh38, 1-based): chr16:3,850,802, C>A on the plus strand (G>T on the coding strand, the complement: CREBBP is on the minus strand). VCF-style: chr16-3850802-C-A. GRCh37 (hg19) VCF-style: chr16-3900803-C-A.
Other names: c.293G>T, p.Gly98Val (NM_001079846.1); short protein forms G98V.
Identifiers: ClinVar variation 133932 (VCV000133932.44), dbSNP rs141982003, ClinGen allele CA158184.